The following is an entry in ClinVar:

NM_032237.5(POMK):c.208C>T (p.Pro70Ser)

Gene: POMK (protein O-mannose kinase; plus strand). Cytogenetic location: 8p11.21.
Variant type: single nucleotide variant.
Coding change: c.208C>T on transcript NM_032237.5 (MANE Select); coding-DNA position 208, C replaced by T.
Protein change: p.Pro70Ser; replaces proline 70 with serine.
Molecular consequence: missense variant.
Genome position (GRCh38, 1-based): chr8:43,103,756, C>T. VCF-style: chr8-43103756-C-T. GRCh37 (hg19) VCF-style: chr8-42958899-C-T.
Other names: c.208C>T, p.Pro70Ser (NM_001277971.2); short protein forms P70S.
Identifiers: ClinVar variation 1931586 (VCV001931586.3), dbSNP rs757819424, ClinGen allele CA4736219.

ClinVar aggregate classification (germline): Uncertain significance (1 of 4 stars; one submission).

Conditions:
Limb-girdle muscular dystrophy due to POMK deficiency. Also called: Muscular dystrophy-dystroglycanopathy (limb-girdle), type c, 12; MUSCULAR DYSTROPHY-DYSTROGLYCANOPATHY, LIMB-GIRDLE, POMK-RELATED. Identifiers: Orphanet 445110, MedGen C4015184, MONDO:0014489, OMIM 616094.
Muscular dystrophy-dystroglycanopathy (congenital with brain and eye anomalies), type a, 12 (MDDGA12). Also called: WALKER-WARBURG SYNDROME OR MUSCLE-EYE-BRAIN DISEASE, POMK-RELATED. Identifiers: Orphanet 899, MedGen C3808964, MONDO:0014101, OMIM 615249.

Allele frequency attached by ClinVar (database versions not stated): gnomAD exomes below 0.00001; ExAC 0.00001.
gnomAD v4.1: 1 of 1,614,228 alleles (0.000062%); highest among the groups gnomAD compares: South Asian, 0.0011%; no homozygotes.

Submission:

Labcorp Genetics (formerly Invitae), Labcorp
Classification: Uncertain significance for Muscular dystrophy-dystroglycanopathy (congenital with brain and eye anomalies), type a, 12; Limb-girdle muscular dystrophy due to POMK deficiency. Last evaluated: 2022-07-03. Review status: criteria provided, single submitter. Criteria: Invitae Variant Classification Sherloc (09022015). Collection method: clinical testing. Allele origin: germline.
Comment: In summary, the available evidence is currently insufficient to determine the role of this variant in disease. Therefore, it has been classified as a Variant of Uncertain Significance. Algorithms developed to predict the effect of missense changes on protein structure and function are either unavailable or do not agree on the potential impact of this missense change (SIFT: "Tolerated"; PolyPhen-2: "Possibly Damaging"; Align-GVGD: "Class C0"). This variant has not been reported in the literature in individuals affected with POMK-related conditions. This variant is present in population databases (rs757819424, gnomAD 0.003%). This sequence change replaces proline, which is neutral and non-polar, with serine, which is neutral and polar, at codon 70 of the POMK protein (p.Pro70Ser).